The following is an entry in ClinVar:

ClinVar aggregate classification (germline): Uncertain significance. Review status: criteria provided, multiple submitters, no conflicts (2 of 4 stars). 3 submissions from 3 submitters: Uncertain significance (3). Last evaluated 2024-02-23.

Allele frequency attached by ClinVar (database versions not stated): gnomAD exomes below 0.00001; gnomAD 0.00001; TOPMed 0.00002.
gnomAD v4.1: 5 of 1,608,612 alleles (0.00031%); highest among the groups gnomAD compares: East Asian, 0.0022%; no homozygotes.

Submissions (3):

Labcorp Genetics (formerly Invitae), Labcorp
Classification: Uncertain significance. Last evaluated: 2024-02-23. Review status: criteria provided, single submitter. Criteria: Invitae Variant Classification Sherloc (09022015). Collection method: clinical testing. Allele origin: germline.
Comment: This sequence change replaces valine, which is neutral and non-polar, with leucine, which is neutral and non-polar, at codon 1217 of the MTOR protein (p.Val1217Leu). This variant is present in population databases (no rsID available, gnomAD 0.007%). This variant has not been reported in the literature in individuals affected with MTOR-related conditions. ClinVar contains an entry for this variant (Variation ID: 1334952). Advanced modeling of protein sequence and biophysical properties (such as structural, functional, and spatial information, amino acid conservation, physicochemical variation, residue mobility, and thermodynamic stability) performed at Invitae indicates that this missense variant is not expected to disrupt MTOR protein function with a negative predictive value of 95%. In summary, the available evidence is currently insufficient to determine the role of this variant in disease. Therefore, it has been classified as a Variant of Uncertain Significance.

ARUP Laboratories, Molecular Genetics and Genomics, ARUP Laboratories
Classification: Uncertain significance. Last evaluated: 2024-02-12. Review status: criteria provided, single submitter. Criteria: ARUP Molecular Germline Variant Investigation Process 2024. Collection method: clinical testing. Allele origin: germline.

CeGaT Center for Human Genetics Tuebingen
Classification: Uncertain significance. Last evaluated: 2021-12-01. Review status: criteria provided, single submitter. Criteria: CeGaT Center For Human Genetics Tuebingen Variant Classification Criteria Version 2. Collection method: clinical testing. Allele origin: germline. Affected: yes. Observed: 1 variant allele.

NM_004958.4(MTOR):c.3649G>C (p.Val1217Leu)

Gene: MTOR (mechanistic target of rapamycin kinase; minus strand). Cytogenetic location: 1p36.22.
Variant type: single nucleotide variant.
Coding change: c.3649G>C on transcript NM_004958.4 (MANE Select); coding-DNA position 3649, G replaced by C.
Protein change: p.Val1217Leu; replaces valine 1217 with leucine.
Molecular consequence: missense variant.
Genome position (GRCh38, 1-based): chr1:11,210,819, C>G on the plus strand (G>C on the coding strand, the complement: MTOR is on the minus strand). VCF-style: chr1-11210819-C-G. GRCh37 (hg19) VCF-style: chr1-11270876-C-G.
Other names: c.3649G>C, p.Val1217Leu (NM_001386500.1); c.2401G>C, p.Val801Leu (NM_001386501.1); short protein forms V1217L, V801L.
Identifiers: ClinVar variation 1334952 (VCV001334952.40), dbSNP rs1315147069, ClinGen allele CA338371991.